The following is an entry in ClinVar:

NM_004086.3(COCH):c.271C>T (p.Arg91Ter)

Genes: COCH-AS1 (COCH antisense RNA 1; minus strand), COCH (cochlin; plus strand). Cytogenetic location: 14q12.
Variant type: single nucleotide variant.
Coding change: c.271C>T on transcript NM_004086.3 (MANE Select); coding-DNA position 271, C replaced by T.
Protein change: p.Arg91Ter; replaces arginine 91 with a stop codon.
Molecular consequence: nonsense.
Genome position (GRCh38, 1-based): chr14:30,878,842, C>T. VCF-style: chr14-30878842-C-T. GRCh37 (hg19) VCF-style: chr14-31348048-C-T.
Other names: c.271C>T, p.Arg91Ter (NM_001135058.2); c.466C>T, p.Arg156Ter (NM_001347720.2); c.271C>T (NM_001135058.1); short protein forms R91*, R156*.
Identifiers: ClinVar variation 228524 (VCV000228524.7), dbSNP rs540895576, ClinGen allele CA7142987.

ClinVar aggregate classification (germline): Pathogenic/Likely pathogenic. Review status: criteria provided, multiple submitters, no conflicts (2 of 4 stars). 4 submissions from 4 submitters: Pathogenic (1); Likely pathogenic (2). 1 of the submissions does not count toward it. Last evaluated 2025-12-14.

Conditions:
COCH-related disorder. Also called: COCH-related condition.
Hearing loss, autosomal recessive 110. Also called: DEAFNESS, AUTOSOMAL RECESSIVE 110. Identifiers: MedGen C4748162, MONDO:0054860, OMIM 618094.

Allele frequency attached by ClinVar (database versions not stated): TOPMed 0.00001; gnomAD 0.00002; gnomAD exomes 0.00003; ExAC 0.00005.
gnomAD v4.1: 29 of 1,614,032 alleles (0.0018%); highest among the groups gnomAD compares: East Asian, 0.0089%; no homozygotes.

Submissions (4):

Labcorp Genetics (formerly Invitae), Labcorp
Classification: Pathogenic. Last evaluated: 2025-12-14. Review status: criteria provided, single submitter. Criteria: Invitae Variant Classification Sherloc (09022015). Collection method: clinical testing. Allele origin: germline.
Comment: This sequence change creates a premature translational stop signal (p.Arg91*) in the COCH gene. It is expected to result in an absent or disrupted protein product. Loss-of-function variants in COCH are known to be pathogenic (PMID: 29449721, 31126177). This variant is present in population databases (rs540895576, gnomAD 0.02%). This variant has not been reported in the literature in individuals affected with COCH-related conditions. ClinVar contains an entry for this variant (Variation ID: 228524). Algorithms developed to predict the effect of sequence changes on RNA splicing suggest that this variant may disrupt the consensus splice site. For these reasons, this variant has been classified as Pathogenic.

PreventionGenetics, part of Exact Sciences
Classification: Likely pathogenic for COCH-related condition. Last evaluated: 2025-09-03. Review status: criteria provided, single submitter. Criteria: ACMG Guidelines, 2015. Collection method: clinical testing. Allele origin: germline.
Comment: The COCH c.271C>T variant is predicted to result in premature protein termination (p.Arg91*). To our knowledge, this variant has not been reported in the literature. This variant is reported in 0.015% of alleles in individuals of East Asian descent in gnomAD. Nonsense variants in COCH are expected to be pathogenic. This variant is interpreted as likely pathogenic.

Neuberg Centre For Genomic Medicine, NCGM
Classification: Likely pathogenic for Hearing loss, autosomal recessive 110. Last evaluated: 2023-02-14. Review status: criteria provided, single submitter. Criteria: ACMG Guidelines, 2015. Collection method: clinical testing. Allele origin: germline. Inheritance: Autosomal recessive inheritance. Affected: yes.

Laboratory for Molecular Medicine, Mass General Brigham Personalized Medicine
Classification: Uncertain significance. Last evaluated: 2015-12-04. Review status: flagged submission. Criteria: LMM Criteria. Collection method: clinical testing. Allele origin: germline. Observed: 1 variant allele. Not counted in ClinVar's aggregate classification.
Comment: The p.Arg91X variant in COCH has not been previously reported in individuals wit h hearing loss, but has been identified in 4/66738 European chromosomes, 1/10406 of African chromosomes and 1/8652 in East Asian chromosomes by the Exome Aggreg ation Consortium (ExAC; dbSNP rs540895576). This nonsense variant leads to a premature termination codon at position 91 in exon 4 (of 12 exons), and is predicted to undergo nonsense-mediated mRNA decay leadin g to an absent protein. To date, only missense and small in-frame deletion varia nts have been reported as causative for hearing loss, which suggests a gain-of-f unction mechanism (Bae 2014). However, there is limited functional data to suppo rt this as an established disease mechanism for this gene and the impact of loss of function variants is currently unknown. In summary, the clinical significanc e of the p.Arg91X variant is uncertain.
ClinVar note: Notes: Claim was published before multiple articles of evidence, which indicated that loss of function of COCH is a mechanism of disease, were available.
ClinVar note: Reason: Older claim that does not account for recent evidence

Literature cited by the submitters: PubMed 29449721 (cited by Labcorp Genetics (formerly Invitae), Labcorp); PubMed 31126177 (cited by Labcorp Genetics (formerly Invitae), Labcorp); PubMed 25230692 (cited by Laboratory for Molecular Medicine, Mass General Brigham Personalized Medicine).